The following is an entry in ClinVar:

ClinVar aggregate classification (germline): Conflicting classifications of pathogenicity. Review status: no assertion criteria provided (0 of 4 stars). 2 submissions from 2 submitters: Likely pathogenic (1); Uncertain significance (1). Last evaluated 2008-06-20.
ClinVar aggregate classification (somatic clinical impact): Tier I - Strong (1 of 4 stars; one submission).

Conditions:
Lung adenocarcinoma. Also called: Adenocarcinoma of lung; Adenocarcinoma of lung, somatic. Identifiers: MedGen C0152013, MeSH D000077192, MONDO:0005061, HP:0030078.
Diffuse pediatric-type high-grade glioma, H3-wildtype and IDH-wildtype. Identifiers: MedGen C5669918, MONDO:0858939.

Submissions (3):

Institute for Genomic Medicine (IGM) Clinical Laboratory, Nationwide Children's Hospital
Classification: Tier I - Strong for Diffuse pediatric-type high-grade glioma, H3-wildtype and IDH-wildtype. Assertion type: diagnostic. Clinical significance: supports diagnosis. Last evaluated: 2024-06-11. Review status: criteria provided, single submitter. Criteria: AMP/ASCO/CAP Guidelines, 2017. Collection method: clinical testing. Allele origin: somatic. Affected: yes.
Comment: Variant has Tier I (strong) clinical significance as a diagnostic inclusion criterion in diffuse pediatric-type high-grade glioma, H3-wildtype and IDH-wildtype, based on the following evidence: 1) Documented in one or more cancer databases (e.g., St. Jude Pecan, COSMIC, CIViC, OncoKB). 2) Appears in one or more well-established professional guidelines (e.g., World Health Organization [WHO]; National Comprehensive Cancer Network [NCCN]) as providing diagnostic, prognostic, or therapeutic information. 3) Information in the literature supports potential biologic effect of variant (PMIDs: 29533785, 29141884). 4) Diagnostic for a specific tumor type/classification based on well-powered studies with expert-level consensus (Evidence Level B; PMIDs: 28966033, 24705251, 29763623, 28912153, 35332262).

Laboratory for Molecular Medicine, Mass General Brigham Personalized Medicine
Classification: Uncertain significance. Last evaluated: 2008-06-20. Review status: no assertion criteria provided. Collection method: clinical testing. Allele origin: somatic. Observed: 1 variant allele.

Key Laboratory of Carcinogenesis and Cancer Invasion, Central South University
Classification: Likely pathogenic for Adenocarcinoma of lung. Review status: no assertion criteria provided. Collection method: clinical testing. Allele origin: somatic. Affected: yes.

Literature cited by the submitters: PubMed 29533785 (cited by Institute for Genomic Medicine (IGM) Clinical Laboratory, Nationwide Children's Hospital); PubMed 29141884 (cited by Institute for Genomic Medicine (IGM) Clinical Laboratory, Nationwide Children's Hospital); PubMed 28966033 (cited by Institute for Genomic Medicine (IGM) Clinical Laboratory, Nationwide Children's Hospital); PubMed 24705251 (cited by Institute for Genomic Medicine (IGM) Clinical Laboratory, Nationwide Children's Hospital); PubMed 29763623 (cited by Institute for Genomic Medicine (IGM) Clinical Laboratory, Nationwide Children's Hospital); PubMed 28912153 (cited by Institute for Genomic Medicine (IGM) Clinical Laboratory, Nationwide Children's Hospital); PubMed 35332262 (cited by Institute for Genomic Medicine (IGM) Clinical Laboratory, Nationwide Children's Hospital); PubMed 17236554 (cited by Laboratory for Molecular Medicine, Mass General Brigham Personalized Medicine); PubMed 15788655 (cited by Laboratory for Molecular Medicine, Mass General Brigham Personalized Medicine).

NM_005228.5(EGFR):c.2497T>G (p.Leu833Val)

Gene: EGFR (epidermal growth factor receptor; plus strand). Cytogenetic location: 7p11.2.
Variant type: single nucleotide variant.
Coding change: c.2497T>G on transcript NM_005228.5 (MANE Select); coding-DNA position 2497, T replaced by G.
Protein change: p.Leu833Val; replaces leucine 833 with valine.
Molecular consequence: missense variant.
Genome position (GRCh38, 1-based): chr7:55,191,746, T>G. VCF-style: chr7-55191746-T-G. GRCh37 (hg19) VCF-style: chr7-55259439-T-G.
Other names: c.2362T>G, p.Leu788Val (NM_001346897.2, NM_001346899.2); c.2497T>G, p.Leu833Val (NM_001346898.2); c.2338T>G, p.Leu780Val (NM_001346900.2); c.1696T>G, p.Leu566Val (NM_001346941.2); short protein forms L833V, L780V, L788V, L566V.
Identifiers: ClinVar variation 45277 (VCV000045277.9), dbSNP rs397517126, ClinGen allele CA135914.